The following is an entry in ClinVar:

ClinVar aggregate classification (germline): Uncertain significance (1 of 4 stars; one submission).

Conditions:
Hereditary motor and sensory neuropathy, Okinawa type (HMSNO). Also called: HEREDITARY MOTOR AND SENSORY NEUROPATHY, PROXIMAL TYPE. Identifiers: Orphanet 90117, MedGen C1858338, MONDO:0011468, OMIM 604484.
Hereditary spastic paraplegia 57. Also called: Spastic paraplegia 57, autosomal recessive. Identifiers: Orphanet 431329, MedGen C3714897, MONDO:0014295, OMIM 615658.

Submission:

Labcorp Genetics (formerly Invitae), Labcorp
Classification: Uncertain significance for Neuropathy, hereditary motor and sensory, Okinawa type; Spastic paraplegia 57, autosomal recessive. Last evaluated: 2019-03-04. Review status: criteria provided, single submitter. Criteria: Invitae Variant Classification Sherloc (09022015). Collection method: clinical testing. Allele origin: germline.
Comment: This sequence change replaces proline with leucine at codon 378 of the TFG protein (p.Pro378Leu). The proline residue is moderately conserved and there is a moderate physicochemical difference between proline and leucine. This variant is not present in population databases (ExAC no frequency). This variant has not been reported in the literature in individuals with TFG-related conditions. Algorithms developed to predict the effect of missense changes on protein structure and function (SIFT, PolyPhen-2, Align-GVGD) all suggest that this variant is likely to be tolerated, but these predictions have not been confirmed by published functional studies and their clinical significance is uncertain. In summary, the available evidence is currently insufficient to determine the role of this variant in disease. Therefore, it has been classified as a Variant of Uncertain Significance.

NM_006070.6(TFG):c.1133C>T (p.Pro378Leu)

Gene: TFG (trafficking from ER to golgi regulator; plus strand). Cytogenetic location: 3q12.2.
Variant type: single nucleotide variant.
Coding change: c.1133C>T on transcript NM_006070.6 (MANE Select); coding-DNA position 1133, C replaced by T.
Protein change: p.Pro378Leu; replaces proline 378 with leucine.
Molecular consequence: missense variant.
Genome position (GRCh38, 1-based): chr3:100,748,461, C>T. VCF-style: chr3-100748461-C-T. GRCh37 (hg19) VCF-style: chr3-100467305-C-T.
Other names: c.1133C>T, p.Pro378Leu (NM_001007565.2, NM_001195478.2); c.1121C>T, p.Pro374Leu (NM_001195479.2); short protein forms P374L, P378L.
Identifiers: ClinVar variation 852670 (VCV000852670.1), dbSNP rs2095156171, ClinGen allele CA353854539.